The following is an entry in ClinVar:

ClinVar aggregate classification (germline): Uncertain significance (1 of 4 stars; one submission).

Conditions:
TRAPPC2L-related disorder. Also called: TRAPPC2L-related condition.

Submission:

PreventionGenetics, part of Exact Sciences
Classification: Uncertain significance for TRAPPC2L-related condition. Last evaluated: 2023-04-06. Review status: criteria provided, single submitter. Criteria: ACMG Guidelines, 2015. Collection method: clinical testing. Allele origin: germline.
Comment: The TRAPPC2L c.376G>A variant is predicted to result in the amino acid substitution p.Gly126Arg. To our knowledge, this variant has not been reported in the literature or in a large population database, indicating this variant is rare. At this time, the clinical significance of this variant is uncertain due to the absence of conclusive functional and genetic evidence.

NM_001318525.2(TRAPPC2L):c.375-20G>A

Gene: TRAPPC2L (trafficking protein particle complex subunit 2L; plus strand). Cytogenetic location: 16q24.3.
Variant type: single nucleotide variant.
Coding change: c.375-20G>A on transcript NM_001318525.2 (MANE Select); 20 bases into the intron before coding-DNA position 375, G replaced by A.
Molecular consequence: intron variant. On other transcripts: missense variant (2).
Genome position (GRCh38, 1-based): chr16:88,860,894, G>A. VCF-style: chr16-88860894-G-A. GRCh37 (hg19) VCF-style: chr16-88927302-G-A.
Other names: c.376G>A, p.Gly126Arg (NM_001318524.2); c.283G>A, p.Gly95Arg (NM_001318527.2); c.375-17G>A (NM_016209.5); c.282-17G>A (NM_001318529.2); c.282-20G>A (NM_001318532.2); c.285-17G>A (NM_001318528.2); c.285-20G>A (NM_001318530.2); c.345-20G>A (NM_001318526.2); short protein forms G126R, G95R.
Identifiers: ClinVar variation 2629429 (VCV002629429.1), dbSNP rs2543694245, ClinGen allele CA397111194.